The following is an entry in ClinVar:

NM_001128148.3(TFRC):c.80G>T (p.Arg27Leu)

Gene: TFRC (transferrin receptor; minus strand). Cytogenetic location: 3q29.
Variant type: single nucleotide variant.
Coding change: c.80G>T on transcript NM_001128148.3 (MANE Select); coding-DNA position 80, G replaced by T.
Protein change: p.Arg27Leu; replaces arginine 27 with leucine.
Molecular consequence: missense variant. On other transcripts: intron variant (2).
Genome position (GRCh38, 1-based): chr3:196,075,317, C>A on the plus strand (G>T on the coding strand, the complement: TFRC is on the minus strand). VCF-style: chr3-196075317-C-A. GRCh37 (hg19) VCF-style: chr3-195802188-C-A.
Other names: c.80G>T, p.Arg27Leu (NM_003234.4); c.-413+1747G>T (NM_001313966.2); c.-5-1192G>T (NM_001313965.2); short protein forms R27L.
Identifiers: ClinVar variation 1491874 (VCV001491874.6), dbSNP rs1041899549, ClinGen allele CA90762102.

ClinVar aggregate classification (germline): Uncertain significance (1 of 4 stars; one submission).

Allele frequency attached by ClinVar (database versions not stated): gnomAD 0.00001; gnomAD exomes 0.00001; TOPMed 0.00002.
gnomAD v4.1: 27 of 1,613,934 alleles (0.0017%); highest among the groups gnomAD compares: Non-Finnish European, 0.0022%; no homozygotes.

Submission:

Labcorp Genetics (formerly Invitae), Labcorp
Classification: Uncertain significance. Last evaluated: 2022-12-18. Review status: criteria provided, single submitter. Criteria: Invitae Variant Classification Sherloc (09022015). Collection method: clinical testing. Allele origin: germline.
Comment: In summary, the available evidence is currently insufficient to determine the role of this variant in disease. Therefore, it has been classified as a Variant of Uncertain Significance. Algorithms developed to predict the effect of missense changes on protein structure and function are either unavailable or do not agree on the potential impact of this missense change (SIFT: "Tolerated"; PolyPhen-2: "Probably Damaging"; Align-GVGD: "Class C0"). ClinVar contains an entry for this variant (Variation ID: 1491874). This variant has not been reported in the literature in individuals affected with TFRC-related conditions. This variant is present in population databases (no rsID available, gnomAD 0.003%). This sequence change replaces arginine, which is basic and polar, with leucine, which is neutral and non-polar, at codon 27 of the TFRC protein (p.Arg27Leu).